The following is an entry in ClinVar:

NM_000038.6(APC):c.2121C>G (p.Leu707=)

Gene: APC (APC regulator of Wnt signaling pathway; plus strand). Cytogenetic location: 5q22.2.
Variant type: single nucleotide variant.
Coding change: c.2121C>G on transcript NM_000038.6 (MANE Select); coding-DNA position 2121, C replaced by G.
Protein change: p.Leu707=; no amino-acid change (leucine 707 retained).
Molecular consequence: synonymous variant.
Genome position (GRCh38, 1-based): chr5:112,837,715, C>G. VCF-style: chr5-112837715-C-G. GRCh37 (hg19) VCF-style: chr5-112173412-C-G.
Other names: c.2121C>G, p.Leu707= (NM_001127510.3, NM_001354895.2); c.2067C>G, p.Leu689= (NM_001127511.3); c.2175C>G, p.Leu725= (NM_001354896.2); c.2151C>G, p.Leu717= (NM_001354897.2); c.2046C>G, p.Leu682= (NM_001354898.2); c.2037C>G, p.Leu679= (NM_001354899.2); c.1998C>G, p.Leu666= (NM_001354900.2); c.1944C>G, p.Leu648= (NM_001354901.2); and 6 more.
Identifiers: ClinVar variation 1561533 (VCV001561533.9), dbSNP rs1174765539, ClinGen allele CA445963434.

ClinVar aggregate classification (germline): Benign/Likely benign. Review status: criteria provided, multiple submitters, no conflicts (2 of 4 stars). 3 submissions from 3 submitters: Benign (1); Likely benign (2). Last evaluated 2024-03-08.

Conditions:
Hereditary cancer-predisposing syndrome. Also called: Tumor predisposition; Hereditary Cancer Syndrome; Hereditary neoplastic syndrome; Neoplastic Syndromes, Hereditary. Identifiers: Orphanet 140162, MedGen C0027672, MeSH D009386, MONDO:0015356.
Familial adenomatous polyposis 1 (FAP1). Also called: POLYPOSIS, ADENOMATOUS INTESTINAL; FAMILIAL ADENOMATOUS POLYPOSIS 1, ATTENUATED. Identifiers: MedGen C2713442, MONDO:0021056, OMIM 175100. Disease mechanism: loss of function.

Allele frequency attached by ClinVar (database versions not stated): gnomAD exomes below 0.00001; TOPMed below 0.00001; gnomAD 0.00001.
gnomAD v4.1: 2 of 1,614,012 alleles (0.00012%); highest among the groups gnomAD compares: African/African-American, 0.0013%; no homozygotes.

Submissions (3):

Myriad Genetics, Inc.
Classification: Benign for Familial adenomatous polyposis 1. Last evaluated: 2024-03-08. Review status: criteria provided, single submitter. Criteria: Myriad Autosomal Dominant, Autosomal Recessive and X-Linked Classification Criteria (2023). Collection method: clinical testing. Allele origin: unknown.
Comment: This variant is considered benign. This variant is a silent/synonymous amino acid change and it is not expected to impact splicing.

Ambry Genetics
Classification: Likely benign for Hereditary cancer-predisposing syndrome. Last evaluated: 2023-09-25. Review status: criteria provided, single submitter. Criteria: Ambry Variant Classification Scheme 2023. Collection method: clinical testing. Allele origin: germline.

Labcorp Genetics (formerly Invitae), Labcorp
Classification: Likely benign for Familial adenomatous polyposis 1. Last evaluated: 2022-11-07. Review status: criteria provided, single submitter. Criteria: Invitae Variant Classification Sherloc (09022015). Collection method: clinical testing. Allele origin: germline.